The following is an entry in ClinVar:

NM_000304.4(PMP22):c.207_209del (p.Met69del)

Gene: PMP22 (peripheral myelin protein 22; minus strand). Cytogenetic location: 17p12.
Variant type: Deletion.
Coding change: c.207_209del on transcript NM_000304.4 (MANE Select); coding-DNA positions 207 to 209, 3 bases deleted (GAT; older notation c.207_209delGAT).
Protein change: p.Met69del; deletes methionine 69.
Molecular consequence: non-coding transcript variant (on NR_104017.2).
Genome position (GRCh38, 1-based): chr17:15,239,581-15,239,583, ATC deleted on the plus strand (GAT on the coding strand, the reverse complement: PMP22 is on the minus strand); deleting any 3 consecutive bases within chr17:15,239,581-15,239,585 gives the same sequence; the c. name uses the placement nearest the transcript's 3' end. VCF-style (leftmost placement, unchanged base first): chr17-15239580-GATC-G. GRCh37 (hg19) VCF-style: chr17-15142897-GATC-G.
Other names: c.207_209del, p.Met69del (NM_001281455.2, NM_001281456.2, NM_001330143.2 and 2 more transcripts); short protein forms M69del.
Identifiers: ClinVar variation 4857204 (VCV004857204.1).
Genomic context (GRCh38, chr17:15,239,580, plus strand): 5'-GAGGGTGAAGAGTTGGCAGAAGAACAGGAACAGAGACAGAATGCTGAAGATGATCGACAG[GATC>G]ATGGTGGCCTGGACAGACTGCAGCCATTCTGGGGGAAAGAGACACTTGGTTAGGAGAGCT-3'

ClinVar aggregate classification (germline): Likely pathogenic (1 of 4 stars; one submission).

Conditions:
Charcot-Marie-Tooth disease type 1E. Also called: CHARCOT-MARIE-TOOTH NEUROPATHY AND DEAFNESS, AUTOSOMAL DOMINANT; Charcot-Marie-Tooth disease and deafness; Charcot-Marie-Tooth Neuropathy Type 1E; CHARCOT-MARIE-TOOTH DISEASE, DEMYELINATING, TYPE 1E. Identifiers: Orphanet 90658, MedGen C3495591, MONDO:0007311, OMIM 118300.

Submission:

Genos
Classification: Likely pathogenic for Charcot-Marie-Tooth disease type 1E. Last evaluated: 2026-06-22. Review status: criteria provided, single submitter. Criteria: ACMG Guidelines, 2015. Collection method: clinical testing. Allele origin: unknown. Inheritance: Autosomal dominant inheritance. Affected: yes. Observed: 1 variant allele, 1 heterozygote.
Comment: The NM_000304.4:c.207_209del variant is an in-frame deletion predicted to remove a single amino acid from peripheral myelin protein 22, p.(Met69del). The deleted residue is located within a conserved transmembrane region of PMP22. A different variant affecting the same residue, p.(Met69Lys), has been reported as pathogenic and has been functionally shown to destabilize PMP22 and impair cellular trafficking (PMID: 26102530). The variant is absent from gnomAD v4.1.1 and, to our knowledge, has not been previously reported in the literature. Based on ACMG/AMP criteria with ACGS 2024 modifications, the variant was classified as likely pathogenic: PM2, PM4, PM5.